The following is an entry in ClinVar:

NM_005732.4(RAD50):c.3683T>C (p.Ile1228Thr)

Genes: RAD50 (RAD50 double strand break repair protein; plus strand), TH2-LCR (Th2 cytokine locus control region; plus strand), TH2LCRR (T helper type 2 locus control region associated RNA; minus strand). Cytogenetic location: 5q31.1.
Variant type: single nucleotide variant.
Coding change: c.3683T>C on transcript NM_005732.4 (MANE Select); coding-DNA position 3683, T replaced by C.
Protein change: p.Ile1228Thr; replaces isoleucine 1228 with threonine.
Molecular consequence: missense variant.
Genome position (GRCh38, 1-based): chr5:132,640,736, T>C. VCF-style: chr5-132640736-T-C. GRCh37 (hg19) VCF-style: chr5-131976428-T-C.
Other names: short protein forms I1228T.
Identifiers: ClinVar variation 5027713 (VCV005027713.1).

ClinVar aggregate classification (germline): Uncertain significance (1 of 4 stars; one submission).

Conditions:
Hereditary cancer-predisposing syndrome. Also called: Neoplastic Syndromes, Hereditary; Tumor predisposition; Hereditary neoplastic syndrome; Hereditary Cancer Syndrome. Identifiers: Orphanet 140162, MedGen C0027672, MeSH D009386, MONDO:0015356.

Submission:

Ambry Genetics
Classification: Uncertain significance for Hereditary cancer-predisposing syndrome. Last evaluated: 2026-07-04. Review status: criteria provided, single submitter. Criteria: Ambry Variant Classification Scheme 2023. Collection method: clinical testing. Allele origin: germline.
Comment: The p.I1228T variant (also known as c.3683T>C), located in coding exon 24 of the RAD50 gene, results from a T to C substitution at nucleotide position 3683. The isoleucine at codon 1228 is replaced by threonine, an amino acid with similar properties. This amino acid position is conserved. In addition, the in silico prediction for this alteration is inconclusive. Based on the available evidence, the clinical significance of this variant remains unclear.